The following is an entry in ClinVar:

ClinVar aggregate classification (germline): Uncertain significance. Review status: criteria provided, multiple submitters, no conflicts (2 of 4 stars). 2 submissions from 2 submitters: Uncertain significance (2). Last evaluated 2026-07-28.

Conditions:
ASIP-related condition.

gnomAD v4.1: 2 of 1,613,910 alleles (0.00012%); highest among the groups gnomAD compares: Admixed American, 0.0033%; no homozygotes.

Submissions (2):

PreventionGenetics, part of Exact Sciences
Classification: Uncertain significance for ASIP-related condition. Last evaluated: 2026-07-28. Review status: criteria provided, single submitter. Criteria: ACMG Guidelines, 2015. Collection method: clinical testing. Allele origin: germline.
Comment: The ASIP c.118T>A variant is predicted to result in the amino acid substitution p.Ser40Thr. To our knowledge, this variant has not been reported in the literature. This variant is reported in 0.0058% of alleles in individuals of Latino descent in gnomAD. At this time, the clinical significance of this variant is uncertain due to the absence of conclusive functional and genetic evidence.

Ambry Genetics
Classification: Uncertain significance. Last evaluated: 2025-07-08. Review status: criteria provided, single submitter. Criteria: Ambry Variant Classification Scheme 2023. Collection method: clinical testing. Allele origin: germline.

NM_001672.3(ASIP):c.118T>A (p.Ser40Thr)

Genes: AHCY (adenosylhomocysteinase; minus strand), ASIP (agouti signaling protein; plus strand). Cytogenetic location: 20q11.22.
Variant type: single nucleotide variant.
Coding change: c.118T>A on transcript NM_001672.3 (MANE Select); coding-DNA position 118, T replaced by A.
Protein change: p.Ser40Thr; replaces serine 40 with threonine.
Molecular consequence: missense variant.
Genome position (GRCh38, 1-based): chr20:34,260,492, T>A. VCF-style: chr20-34260492-T-A. GRCh37 (hg19) VCF-style: chr20-32848298-T-A.
Other names: c.118T>A, p.Ser40Thr (NM_001385218.1); short protein forms S40T.
Identifiers: ClinVar variation 4155008 (VCV004155008.2).